The following is an entry in ClinVar:

NM_021930.6(RINT1):c.1802G>A (p.Arg601His)

Gene: RINT1 (RAD50 interactor 1; plus strand). Cytogenetic location: 7q22.3.
Variant type: single nucleotide variant.
Coding change: c.1802G>A on transcript NM_021930.6 (MANE Select); coding-DNA position 1802, G replaced by A.
Protein change: p.Arg601His; replaces arginine 601 with histidine.
Molecular consequence: missense variant. On other transcripts: non-coding transcript variant (1).
Genome position (GRCh38, 1-based): chr7:105,563,863, G>A. VCF-style: chr7-105563863-G-A. GRCh37 (hg19) VCF-style: chr7-105204310-G-A.
Other names: c.1568G>A, p.Arg523His (NM_001346599.2); c.779G>A, p.Arg260His (NM_001346600.2, NM_001346603.2); c.878G>A, p.Arg293His (NM_001346601.2); short protein forms R260H, R523H, R293H, R601H.
Identifiers: ClinVar variation 1780428 (VCV001780428.9), dbSNP rs747456943, ClinGen allele CA368813979.

ClinVar aggregate classification (germline): Uncertain significance. Review status: criteria provided, multiple submitters, no conflicts (2 of 4 stars). 2 submissions from 2 submitters: Uncertain significance (2). Last evaluated 2025-05-17.

gnomAD v4.1: 9 of 1,613,980 alleles (0.00056%); highest among the groups gnomAD compares: Middle Eastern, 0.016%; no homozygotes.

Submissions (2):

Ambry Genetics
Classification: Uncertain significance. Last evaluated: 2025-05-17. Review status: criteria provided, single submitter. Criteria: Ambry Variant Classification Scheme 2023. Collection method: clinical testing. Allele origin: germline.
Comment: The p.R601H variant (also known as c.1802G>A), located in coding exon 12 of the RINT1 gene, results from a G to A substitution at nucleotide position 1802. The arginine at codon 601 is replaced by histidine, an amino acid with highly similar properties. This amino acid position is well conserved in available vertebrate species. In addition, the in silico prediction for this alteration is inconclusive. Since supporting evidence is limited at this time, the clinical significance of this alteration remains unclear.

Labcorp Genetics (formerly Invitae), Labcorp
Classification: Uncertain significance. Last evaluated: 2023-08-04. Review status: criteria provided, single submitter. Criteria: Invitae Variant Classification Sherloc (09022015). Collection method: clinical testing. Allele origin: germline.
Comment: This sequence change replaces arginine, which is basic and polar, with histidine, which is basic and polar, at codon 601 of the RINT1 protein (p.Arg601His). In summary, the available evidence is currently insufficient to determine the role of this variant in disease. Therefore, it has been classified as a Variant of Uncertain Significance. Algorithms developed to predict the effect of missense changes on protein structure and function output the following: SIFT: "Not Available"; PolyPhen-2: "Benign"; Align-GVGD: "Not Available". The histidine amino acid residue is found in multiple mammalian species, which suggests that this missense change does not adversely affect protein function. ClinVar contains an entry for this variant (Variation ID: 1780428). This variant has not been reported in the literature in individuals affected with RINT1-related conditions. This variant is present in population databases (no rsID available, gnomAD 0.004%).